The following is an entry in ClinVar:

NM_007294.4(BRCA1):c.859A>G (p.Asn287Asp)

Gene: BRCA1 (BRCA1 DNA repair associated; minus strand). Cytogenetic location: 17q21.31.
Variant type: single nucleotide variant.
Coding change: c.859A>G on transcript NM_007294.4 (MANE Select); coding-DNA position 859, A replaced by G.
Protein change: p.Asn287Asp; replaces asparagine 287 with aspartic acid.
Molecular consequence: missense variant. On other transcripts: 5 prime UTR variant (2), intron variant (137).
Genome position (GRCh38, 1-based): chr17:43,094,672, T>C on the plus strand (A>G on the coding strand, the complement: BRCA1 is on the minus strand). VCF-style: chr17-43094672-T-C. GRCh37 (hg19) VCF-style: chr17-41246689-T-C.
Other names: c.859A>G, p.Asn287Asp (NM_001407626.1, NM_001407640.1, NM_001407639.1 and 30 more transcripts); c.856A>G, p.Asn286Asp (NM_001407627.1, NM_001407628.1, NM_001407629.1 and 22 more transcripts); c.646A>G, p.Asn216Asp (NM_001407571.1, NM_001407853.1, NM_001407894.1 and 9 more transcripts); c.850A>G, p.Asn284Asp (NM_001407646.1, NM_001407647.1); c.736A>G, p.Asn246Asp (NM_001407648.1, NM_001407664.1, NM_001407665.1 and 19 more transcripts); c.733A>G, p.Asn245Asp (NM_001407649.1, NM_001407670.1, NM_001407671.1 and 11 more transcripts); c.781A>G, p.Asn261Asp (NM_001407653.1, NM_001407654.1, NM_001407655.1 and 4 more transcripts); c.778A>G, p.Asn260Asp (NM_001407659.1, NM_001407660.1, NM_001407661.1 and 1 more transcripts); and 40 more; short protein forms N240D, N287D, N119D, N199D, N246D, N260D, N261D, N286D.
Identifiers: ClinVar variation 1330028 (VCV001330028.4), dbSNP rs2154488853, ClinGen allele CA10600363.
Genomic context (GRCh38, chr17:43,094,672, plus strand): 5'-TATTACAGAATTCAGCCTTTTCTACATTCATTCTGTCTTTAGTGAGTAATAAACTGCTGT[T>C]CTCATGCTGTAATGAGCTGGCATGAGTATTTGTGCCACATGGCTCCACATGCAAGTTTGA-3'
Protein context (NP_009225.1, residues 277-297): NTHASSLQHE[Asn287Asp]SSLLLTKDRM

ClinVar aggregate classification (germline): Conflicting classifications of pathogenicity. Review status: criteria provided, conflicting classifications (1 of 4 stars). 2 submissions from 2 submitters: Uncertain significance (1); Likely benign (1). Last evaluated 2023-03-23.

Conditions:
Hereditary cancer-predisposing syndrome. Also called: Hereditary Cancer Syndrome; Tumor predisposition; Neoplastic Syndromes, Hereditary; Hereditary neoplastic syndrome. Identifiers: Orphanet 140162, MedGen C0027672, MeSH D009386, MONDO:0015356.

Submissions (2):

University of Washington Department of Laboratory Medicine, University of Washington
Classification: Likely benign for Hereditary cancer-predisposing syndrome. Last evaluated: 2023-03-23. Review status: criteria provided, single submitter. Criteria: Dines et al. (Genet Med. 2020). Collection method: curation. Allele origin: germline.
Comment: Missense variant in a coldspot region where missense variants are very unlikely to be pathogenic (PMID:31911673).

BRCA1 coldspot (exon 11 using historical exon numbering). Reclassification based on statistical prior probability

Quest Diagnostics Nichols Institute San Juan Capistrano
Classification: Uncertain significance. Last evaluated: 2020-11-18. Review status: criteria provided, single submitter. Criteria: Quest Diagnostics criteria. Collection method: clinical testing. Allele origin: unknown.